The following is an entry in ClinVar:

NM_015662.3(IFT172):c.3914_3915del (p.Ser1305fs)

Genes: IFT172 (intraflagellar transport 172; minus strand), LOC126806173 (BRD4-independent group 4 enhancer GRCh37_chr2:27676057-27677256; plus strand). Cytogenetic location: 2p23.3.
Variant type: Microsatellite.
Coding change: c.3914_3915del on transcript NM_015662.3 (MANE Select); coding-DNA positions 3914 to 3915, 2 bases deleted (CT; older notation c.3914_3915delCT).
Protein change: p.Ser1305fs; shifts the reading frame from serine 1305.
Molecular consequence: frameshift variant.
Genome position (GRCh38, 1-based): chr2:27,453,420-27,453,421, AG deleted on the plus strand (CT on the coding strand, the reverse complement: IFT172 is on the minus strand); deleting any 2 consecutive bases within chr2:27,453,420-27,453,423 gives the same sequence; the c. name uses the placement nearest the transcript's 3' end. VCF-style (leftmost placement, unchanged base first): chr2-27453419-CAG-C. GRCh37 (hg19) VCF-style: chr2-27676286-CAG-C.
Other names: c.3848_3849del, p.Ser1283fs (NM_001410739.1); short protein forms S1305fs, S1283fs.
Identifiers: ClinVar variation 2937607 (VCV002937607.3), dbSNP rs1213456960, ClinGen allele CA531765169.

ClinVar aggregate classification (germline): Pathogenic (1 of 4 stars; one submission).

Conditions:
Retinitis pigmentosa 71 (RP71). Identifiers: Orphanet 791, MedGen C4225342, MONDO:0014618, OMIM 616394.
Short-rib thoracic dysplasia 10 with or without polydactyly (SRTD10). Identifiers: Orphanet 474, MedGen C3810175, MONDO:0014284, OMIM 615630.

Submission:

Labcorp Genetics (formerly Invitae), Labcorp
Classification: Pathogenic for Retinitis pigmentosa 71; Short-rib thoracic dysplasia 10 with or without polydactyly. Last evaluated: 2022-12-27. Review status: criteria provided, single submitter. Criteria: Invitae Variant Classification Sherloc (09022015). Collection method: clinical testing. Allele origin: germline.
Comment: This variant has not been reported in the literature in individuals affected with IFT172-related conditions. For these reasons, this variant has been classified as Pathogenic. This variant is present in population databases (no rsID available, gnomAD 0.006%). This sequence change creates a premature translational stop signal (p.Ser1305Trpfs*15) in the IFT172 gene. It is expected to result in an absent or disrupted protein product. Loss-of-function variants in IFT172 are known to be pathogenic (PMID: 24140113).

Literature cited by the submitters: PubMed 24140113.